The following is an entry in ClinVar:

NM_177438.3(DICER1):c.1549A>C (p.Ile517Leu)

Gene: DICER1 (dicer 1, ribonuclease III; minus strand). Cytogenetic location: 14q32.13.
Variant type: single nucleotide variant.
Coding change: c.1549A>C on transcript NM_177438.3 (MANE Select); coding-DNA position 1549, A replaced by C.
Protein change: p.Ile517Leu; replaces isoleucine 517 with leucine.
Molecular consequence: missense variant.
Genome position (GRCh38, 1-based): chr14:95,116,656, T>G on the plus strand (A>C on the coding strand, the complement: DICER1 is on the minus strand). VCF-style: chr14-95116656-T-G. GRCh37 (hg19) VCF-style: chr14-95582993-T-G.
Other names: c.1549A>C, p.Ile517Leu (NM_001195573.1, NM_001271282.3, NM_001291628.2 and 1 more transcripts); short protein forms I517L.
Identifiers: ClinVar variation 958121 (VCV000958121.15), dbSNP rs1892502082, ClinGen allele CA390885109.

ClinVar aggregate classification (germline): Uncertain significance. Review status: criteria provided, multiple submitters, no conflicts (2 of 4 stars). 4 submissions from 4 submitters: Uncertain significance (4). Last evaluated 2025-09-10.

Conditions:
Hereditary cancer-predisposing syndrome. Also called: Hereditary neoplastic syndrome; Tumor predisposition; Neoplastic Syndromes, Hereditary; Hereditary Cancer Syndrome. Identifiers: Orphanet 140162, MedGen C0027672, MeSH D009386, MONDO:0015356.
Global developmental delay - lung cysts - overgrowth - Wilms tumor syndrome. Also called: GLOBAL DEVELOPMENTAL DELAY, LUNG CYSTS, OVERGROWTH, AND WILMS TUMOR; GLOW Syndrome. Identifiers: Orphanet 404476, MedGen C4748924, MONDO:0018445, OMIM 618272.
DICER1-related tumor predisposition. Also called: DICER1 syndrome; DICER1-related pleuropulmonary blastoma cancer predisposition syndrome. Identifiers: Orphanet 284343, MedGen C3839822, MONDO:0100216.
Pleuropulmonary blastoma (PPB). Identifiers: Orphanet 64742, MedGen C1266144, MONDO:0011014, OMIM 601200, HP:0100528.

Allele frequency attached by ClinVar (database versions not stated): TOPMed below 0.00001.

Submissions (4):

Genomic Medicine Center of Excellence, King Faisal Specialist Hospital and Research Centre
Classification: Uncertain significance for Pleuropulmonary blastoma. Last evaluated: 2025-09-10. Review status: criteria provided, single submitter. Criteria: ACMG Guidelines, 2015. Collection method: clinical testing. Allele origin: germline.

Baylor Genetics
Classification: Uncertain significance for Global developmental delay - lung cysts - overgrowth - Wilms tumor syndrome. Last evaluated: 2023-06-19. Review status: criteria provided, single submitter. Criteria: ACMG Guidelines, 2015. Collection method: clinical testing. Allele origin: unknown.

Labcorp Genetics (formerly Invitae), Labcorp
Classification: Uncertain significance for DICER1-related tumor predisposition. Last evaluated: 2023-03-09. Review status: criteria provided, single submitter. Criteria: Invitae Variant Classification Sherloc (09022015). Collection method: clinical testing. Allele origin: germline.
Comment: This sequence change replaces isoleucine, which is neutral and non-polar, with leucine, which is neutral and non-polar, at codon 517 of the DICER1 protein (p.Ile517Leu). This variant is not present in population databases (gnomAD no frequency). This variant has not been reported in the literature in individuals affected with DICER1-related conditions. ClinVar contains an entry for this variant (Variation ID: 958121). Advanced modeling of protein sequence and biophysical properties (such as structural, functional, and spatial information, amino acid conservation, physicochemical variation, residue mobility, and thermodynamic stability) performed at Invitae indicates that this missense variant is not expected to disrupt DICER1 protein function. In summary, the available evidence is currently insufficient to determine the role of this variant in disease. Therefore, it has been classified as a Variant of Uncertain Significance.

Ambry Genetics
Classification: Uncertain significance for Hereditary cancer-predisposing syndrome. Last evaluated: 2022-11-01. Review status: criteria provided, single submitter. Criteria: Ambry Variant Classification Scheme 2023. Collection method: clinical testing. Allele origin: germline.
Comment: The p.I517L variant (also known as c.1549A>C), located in coding exon 9 of the DICER1 gene, results from an A to C substitution at nucleotide position 1549. The isoleucine at codon 517 is replaced by leucine, an amino acid with highly similar properties. This amino acid position is highly conserved in available vertebrate species. In addition, the in silico prediction for this alteration is inconclusive. Since supporting evidence is limited at this time, the clinical significance of this alteration remains unclear.